The following is an entry in ClinVar:

ClinVar aggregate classification (germline): Uncertain significance (1 of 4 stars; one submission).

Conditions:
PGM1-congenital disorder of glycosylation. Also called: Congenital disorder of glycosylation type 1t; CDG It; PHOSPHOGLUCOMUTASE 1 DEFICIENCY; PGM1 DEFICIENCY; GLYCOGEN STORAGE DISEASE XIV; GSD XIV. Identifiers: Orphanet 319646, MedGen C2752015, MONDO:0013968, OMIM 614921.

Allele frequency attached by ClinVar (database versions not stated): ExAC 0.00001.
gnomAD v4.1: 15 of 1,601,540 alleles (0.00094%); highest among the groups gnomAD compares: African/African-American, 0.0054%; no homozygotes.

Submissions (2):

Labcorp Genetics (formerly Invitae), Labcorp
Classification: Uncertain significance for PGM1-congenital disorder of glycosylation. Last evaluated: 2022-02-24. Review status: criteria provided, single submitter. Criteria: Invitae Variant Classification Sherloc (09022015). Collection method: clinical testing. Allele origin: germline.
Comment: This sequence change affects codon 382 of the PGM1 mRNA. It is a 'silent' change, meaning that it does not change the encoded amino acid sequence of the PGM1 protein. This variant also falls at the last nucleotide of exon 7, which is part of the consensus splice site for this exon. This variant is present in population databases (rs750763684, gnomAD 0.007%). This variant has not been reported in the literature in individuals affected with PGM1-related conditions. Algorithms developed to predict the effect of missense changes on protein structure and function (SIFT, PolyPhen-2, Align-GVGD) all suggest that this variant is likely to be disruptive. Variants that disrupt the consensus splice site are a relatively common cause of aberrant splicing (PMID: 17576681, 9536098). Algorithms developed to predict the effect of sequence changes on RNA splicing suggest that this variant may disrupt the consensus splice site. In summary, the available evidence is currently insufficient to determine the role of this variant in disease. Therefore, it has been classified as a Variant of Uncertain Significance.

Dr. Peter K. Rogan Lab, Western University
No classification provided (evidence only). Condition: Malignant tumor of urinary bladder. Review status: no classification provided. Collection method: in vitro. Allele origin: not applicable. Functional consequence: retained intron. Not counted in ClinVar's aggregate classification.

Literature cited by the submitters: PubMed 17576681 (cited by Labcorp Genetics (formerly Invitae), Labcorp); PubMed 9536098 (cited by Labcorp Genetics (formerly Invitae), Labcorp).

NM_002633.3(PGM1):c.1144G>A (p.Gly382Ser)

Gene: PGM1 (phosphoglucomutase 1; plus strand). Cytogenetic location: 1p31.3.
Variant type: single nucleotide variant.
Coding change: c.1144G>A on transcript NM_002633.3 (MANE Select); coding-DNA position 1144, G replaced by A.
Protein change: p.Gly382Ser; replaces glycine 382 with serine.
Molecular consequence: missense variant.
Genome position (GRCh38, 1-based): chr1:63,638,800, G>A. VCF-style: chr1-63638800-G-A. GRCh37 (hg19) VCF-style: chr1-64104471-G-A.
Other names: c.1198G>A, p.Gly400Ser (NM_001172818.1); c.553G>A, p.Gly185Ser (NM_001172819.2); short protein forms G400S, G185S, G382S.
Identifiers: ClinVar variation 2062084 (VCV002062084.5), dbSNP rs750763684, ClinGen allele CA889728.